The following is an entry in ClinVar:

NM_006015.6(ARID1A):c.1034C>G (p.Ala345Gly)

Genes: ARID1A (AT-rich interaction domain 1A; plus strand), LOC129929837 (ATAC-STARR-seq lymphoblastoid silent region 489; plus strand). Cytogenetic location: 1p36.11.
Variant type: single nucleotide variant.
Coding change: c.1034C>G on transcript NM_006015.6 (MANE Select); coding-DNA position 1034, C replaced by G.
Protein change: p.Ala345Gly; replaces alanine 345 with glycine.
Molecular consequence: missense variant.
Genome position (GRCh38, 1-based): chr1:26,697,437, C>G. VCF-style: chr1-26697437-C-G. GRCh37 (hg19) VCF-style: chr1-27023928-C-G.
Other names: c.1034C>G, p.Ala345Gly (NM_139135.4); short protein forms A345G.
Identifiers: ClinVar variation 4994807 (VCV004994807.1).
Genomic context (GRCh38, chr1:26,697,437, plus strand): 5'-CCGGCAAGGGCCCGGCGGACATGGCCTCGCAGTGTTGGGGGGCTGCGGCGGCGGCAGCTG[C>G]GGCGGCGGCCGCCTCGGGAGGGGCCCAACAAAGGAGCCACCACGCGCCCATGAGCCCCGG-3'
Protein context (NP_006006.3, residues 335-355): QCWGAAAAAA[Ala345Gly]AAAASGGAQQ

ClinVar aggregate classification (germline): Uncertain significance (1 of 4 stars; one submission).

Conditions:
ARID1A-related disorder. Also called: ARID1A-related condition.

Submission:

PreventionGenetics, part of Exact Sciences
Classification: Uncertain significance for ARID1A-related condition. Last evaluated: 2026-03-10. Review status: criteria provided, single submitter. Criteria: ACMG Guidelines, 2015. Collection method: clinical testing. Allele origin: germline.
Comment: The ARID1A c.1034C>G variant is predicted to result in the amino acid substitution p.Ala345Gly. To our knowledge, this variant has not been reported in the literature or in a large population database (gnomAD), indicating this variant is rare. At this time, the clinical significance of this variant is uncertain due to the absence of conclusive functional and genetic evidence.